The following is an entry in ClinVar:

ClinVar aggregate classification (germline): Conflicting classifications of pathogenicity. Review status: criteria provided, conflicting classifications (1 of 4 stars). 3 submissions from 3 submitters: Uncertain significance (2); Likely benign (1). Last evaluated 2025-07-07.

Conditions:
Inborn genetic diseases. Identifiers: MedGen C0950123, MeSH D030342.
CACNA1F-related disorder. Also called: CACNA1F-related condition.

Allele frequency attached by ClinVar (database versions not stated): gnomAD 0.00001; TOPMed 0.00001.

Submissions (3):

Labcorp Genetics (formerly Invitae), Labcorp
Classification: Uncertain significance. Last evaluated: 2025-07-07. Review status: criteria provided, single submitter. Criteria: Invitae Variant Classification Sherloc (09022015). Collection method: clinical testing. Allele origin: germline.
Comment: This sequence change replaces threonine, which is neutral and polar, with alanine, which is neutral and non-polar, at codon 1702 of the CACNA1F protein (p.Thr1702Ala). The frequency data for this variant in the population databases is considered unreliable, as metrics indicate poor data quality at this position in the gnomAD database. This variant has not been reported in the literature in individuals affected with CACNA1F-related conditions. ClinVar contains an entry for this variant (Variation ID: 1447202). An algorithm developed to predict the effect of missense changes on protein structure and function outputs the following: PolyPhen-2: "Benign". The alanine amino acid residue is found in multiple mammalian species, which suggests that this missense change does not adversely affect protein function. In summary, the available evidence is currently insufficient to determine the role of this variant in disease. Therefore, it has been classified as a Variant of Uncertain Significance.

PreventionGenetics, part of Exact Sciences
Classification: Uncertain significance for CACNA1F-related condition. Last evaluated: 2025-02-19. Review status: criteria provided, single submitter. Criteria: ACMG Guidelines, 2015. Collection method: clinical testing. Allele origin: germline.
Comment: The CACNA1F c.5104A>G variant is predicted to result in the amino acid substitution p.Thr1702Ala. To our knowledge, this variant has not been reported in the literature. This variant is present in 0.0073% of alleles in individuals of Latino descent in gnomAD. At this time, the clinical significance of this variant is uncertain due to the absence of conclusive functional and genetic evidence.

Ambry Genetics
Classification: Likely benign for Inborn genetic diseases. Last evaluated: 2022-07-26. Review status: criteria provided, single submitter. Criteria: Ambry Variant Classification Scheme 2023. Collection method: clinical testing. Allele origin: germline.

NM_001256789.3(CACNA1F):c.5071A>G (p.Thr1691Ala)

Gene: CACNA1F (calcium voltage-gated channel subunit alpha1 F; minus strand). Cytogenetic location: Xp11.23.
Variant type: single nucleotide variant.
Coding change: c.5071A>G on transcript NM_001256789.3 (MANE Select); coding-DNA position 5071, A replaced by G.
Protein change: p.Thr1691Ala; replaces threonine 1691 with alanine.
Molecular consequence: missense variant.
Genome position (GRCh38, 1-based): chrX:49,208,567, T>C on the plus strand (A>G on the coding strand, the complement: CACNA1F is on the minus strand). VCF-style: chrX-49208567-T-C. GRCh37 (hg19) VCF-style: chrX-49065027-T-C.
Other names: c.5104A>G (NM_005183.2, NM_005183.3); c.4909A>G, p.Thr1637Ala (NM_001256790.3); c.5104A>G, p.Thr1702Ala (NM_005183.4); short protein forms T1637A, T1691A, T1702A.
Identifiers: ClinVar variation 1447202 (VCV001447202.10), dbSNP rs1198251463, ClinGen allele CA412959130.